The following is an entry in ClinVar:

ClinVar aggregate classification (germline): Uncertain significance (1 of 4 stars; one submission).

Allele frequency attached by ClinVar (database versions not stated): gnomAD exomes 0.00001; ExAC 0.00002; gnomAD 0.00005; TOPMed 0.00006; ESP Exome Variant Server 0.00008.
gnomAD v4.1: 12 of 1,614,020 alleles (0.00074%); highest among the groups gnomAD compares: African/African-American, 0.016%; no homozygotes.

Submission:

Labcorp Genetics (formerly Invitae), Labcorp
Classification: Uncertain significance. Last evaluated: 2022-08-25. Review status: criteria provided, single submitter. Criteria: Invitae Variant Classification Sherloc (09022015). Collection method: clinical testing. Allele origin: germline.
Comment: In summary, the available evidence is currently insufficient to determine the role of this variant in disease. Therefore, it has been classified as a Variant of Uncertain Significance. Algorithms developed to predict the effect of missense changes on protein structure and function output the following: SIFT: "Tolerated"; PolyPhen-2: "Benign"; Align-GVGD: "Class C0". The valine amino acid residue is found in multiple mammalian species, which suggests that this missense change does not adversely affect protein function. This variant has not been reported in the literature in individuals affected with PRPF4-related conditions. This variant is present in population databases (rs147084476, gnomAD 0.02%). This sequence change replaces isoleucine, which is neutral and non-polar, with valine, which is neutral and non-polar, at codon 422 of the PRPF4 protein (p.Ile422Val).

NM_001244926.2(PRPF4):c.1261A>G (p.Ile421Val)

Gene: PRPF4 (pre-mRNA splicing tri-snRNP complex factor PRPF4; plus strand). Cytogenetic location: 9q32.
Variant type: single nucleotide variant.
Coding change: c.1261A>G on transcript NM_001244926.2 (MANE Select); coding-DNA position 1261, A replaced by G.
Protein change: p.Ile421Val; replaces isoleucine 421 with valine.
Molecular consequence: missense variant. On other transcripts: non-coding transcript variant (2).
Genome position (GRCh38, 1-based): chr9:113,290,905, A>G. VCF-style: chr9-113290905-A-G. GRCh37 (hg19) VCF-style: chr9-116053185-A-G.
Other names: c.535A>G, p.Ile179Val (NM_001322266.2, NM_001322267.2); c.1264A>G, p.Ile422Val (NM_004697.5); short protein forms I421V, I179V, I422V.
Identifiers: ClinVar variation 1975082 (VCV001975082.5), dbSNP rs147084476, ClinGen allele CA5195143.
Genomic context (GRCh38, chr9:113,290,905, plus strand): 5'-TCTGGGTCAGTAAGTACTCTATTTCTAACTTCAATACTGCATCCAATCCACAGCTATCAC[A>G]TTGCAACCGGCAGTGGTGACAACACCTGCAAAGTGTGGGACCTCCGACAGCGGCGTTGCG-3'
Protein context (NP_001231855.1, residues 411-431): GINFSPNGYH[Ile421Val]ATGSGDNTCK